The following is an entry in ClinVar:

NM_015910.7(WDPCP):c.1703A>C (p.Asp568Ala)

Gene: WDPCP (WD repeat containing planar cell polarity effector; minus strand). Cytogenetic location: 2p15.
Variant type: single nucleotide variant.
Coding change: c.1703A>C on transcript NM_015910.7 (MANE Select); coding-DNA position 1703, A replaced by C.
Protein change: p.Asp568Ala; replaces aspartic acid 568 with alanine.
Molecular consequence: missense variant. On other transcripts: non-coding transcript variant (3).
Genome position (GRCh38, 1-based): chr2:63,378,431, T>G on the plus strand (A>C on the coding strand, the complement: WDPCP is on the minus strand). VCF-style: chr2-63378431-T-G. GRCh37 (hg19) VCF-style: chr2-63605566-T-G.
Other names: c.1703A>C (NM_015910.5); c.1226A>C, p.Asp409Ala (NM_001042692.3); c.1631A>C, p.Asp544Ala (NM_001354044.2); c.1703A>C, p.Asp568Ala (NM_001354045.2); short protein forms D409A, D568A, D544A.
Identifiers: ClinVar variation 1984664 (VCV001984664.5), dbSNP rs2466024251, ClinGen allele CA347062913.

ClinVar aggregate classification (germline): Uncertain significance. Review status: criteria provided, multiple submitters, no conflicts (2 of 4 stars). 2 submissions from 2 submitters: Uncertain significance (2). Last evaluated 2024-10-15.

Conditions:
Inborn genetic diseases. Identifiers: MedGen C0950123, MeSH D030342.
Bardet-Biedl syndrome (BBS). Identifiers: Orphanet 110, MedGen C0752166, MONDO:0015229.

Submissions (2):

Labcorp Genetics (formerly Invitae), Labcorp
Classification: Uncertain significance for Bardet-Biedl syndrome. Last evaluated: 2024-10-15. Review status: criteria provided, single submitter. Criteria: Invitae Variant Classification Sherloc (09022015). Collection method: clinical testing. Allele origin: germline.
Comment: This sequence change replaces aspartic acid, which is acidic and polar, with alanine, which is neutral and non-polar, at codon 568 of the WDPCP protein (p.Asp568Ala). This variant is not present in population databases (gnomAD no frequency). This variant has not been reported in the literature in individuals affected with WDPCP-related conditions. ClinVar contains an entry for this variant (Variation ID: 1984664). Invitae Evidence Modeling of protein sequence and biophysical properties (such as structural, functional, and spatial information, amino acid conservation, physicochemical variation, residue mobility, and thermodynamic stability) has been performed for this missense variant. However, the output from this modeling did not meet the statistical confidence thresholds required to predict the impact of this variant on WDPCP protein function. In summary, the available evidence is currently insufficient to determine the role of this variant in disease. Therefore, it has been classified as a Variant of Uncertain Significance.

Ambry Genetics
Classification: Uncertain significance for Inborn genetic diseases. Last evaluated: 2024-07-27. Review status: criteria provided, single submitter. Criteria: Ambry Variant Classification Scheme 2023. Collection method: clinical testing. Allele origin: germline.